The following is an entry in ClinVar:

ClinVar aggregate classification (germline): Uncertain significance (1 of 4 stars; one submission).

Conditions:
Achondrogenesis, type IB (ACG1B). Also called: Achondrogenesis Type 1B. Identifiers: Orphanet 932, Orphanet 93298, MedGen C0265274, MONDO:0010966, OMIM 600972.
Atelosteogenesis type II (AO2). Also called: NEONATAL OSSEOUS DYSPLASIA I; SLC26A2-Related Atelosteogenesis; Neonatal osseous dysplasia 1. Identifiers: Orphanet 56304, MedGen C1850554, MONDO:0009727, OMIM 256050.
Diastrophic dysplasia (DTD). Also called: Diastrophic dwarfism. Identifiers: Orphanet 628, MedGen C0220726, MONDO:0009107, OMIM 222600.
Multiple epiphyseal dysplasia type 4 (EDM4). Also called: SLC26A2-Related Multiple Epiphyseal Dysplasia; Multiple Epiphyseal Dysplasia, Recessive; MULTIPLE EPIPHYSEAL DYSPLASIA WITH BILAYERED PATELLAE; MULTIPLE EPIPHYSEAL DYSPLASIA WITH CLUBFOOT; MULTIPLE EPIPHYSEAL DYSPLASIA, AUTOSOMAL RECESSIVE. Identifiers: Orphanet 93307, MedGen C1847593, MONDO:0009189, OMIM 226900.

Submission:

Labcorp Genetics (formerly Invitae), Labcorp
Classification: Uncertain significance for Atelosteogenesis type II; Multiple epiphyseal dysplasia type 4; Achondrogenesis, type IB; Diastrophic dysplasia. Last evaluated: 2022-07-15. Review status: criteria provided, single submitter. Criteria: Invitae Variant Classification Sherloc (09022015). Collection method: clinical testing. Allele origin: germline.
Comment: This variant is not present in population databases (gnomAD no frequency). This sequence change replaces leucine, which is neutral and non-polar, with phenylalanine, which is neutral and non-polar, at codon 483 of the SLC26A2 protein (p.Leu483Phe). This variant has not been reported in the literature in individuals affected with SLC26A2-related conditions. Advanced modeling of protein sequence and biophysical properties (such as structural, functional, and spatial information, amino acid conservation, physicochemical variation, residue mobility, and thermodynamic stability) performed at Invitae indicates that this missense variant is expected to disrupt SLC26A2 protein function. In summary, the available evidence is currently insufficient to determine the role of this variant in disease. Therefore, it has been classified as a Variant of Uncertain Significance.

NM_000112.4(SLC26A2):c.1447C>T (p.Leu483Phe)

Gene: SLC26A2 (solute carrier family 26 member 2; plus strand). Cytogenetic location: 5q32.
Variant type: single nucleotide variant.
Coding change: c.1447C>T on transcript NM_000112.4 (MANE Select); coding-DNA position 1447, C replaced by T.
Protein change: p.Leu483Phe; replaces leucine 483 with phenylalanine.
Molecular consequence: missense variant.
Genome position (GRCh38, 1-based): chr5:149,981,040, C>T. VCF-style: chr5-149981040-C-T. GRCh37 (hg19) VCF-style: chr5-149360603-C-T.
Other names: short protein forms L483F.
Identifiers: ClinVar variation 2415684 (VCV002415684.7), dbSNP rs2480776021, ClinGen allele CA361707890.